The following is an entry in ClinVar:

ClinVar aggregate classification (germline): Uncertain significance (1 of 4 stars; one submission).

Conditions:
Hereditary cancer-predisposing syndrome. Also called: Hereditary neoplastic syndrome; Neoplastic Syndromes, Hereditary; Tumor predisposition; Hereditary Cancer Syndrome. Identifiers: Orphanet 140162, MedGen C0027672, MeSH D009386, MONDO:0015356.

Submission:

Ambry Genetics
Classification: Uncertain significance for Hereditary cancer-predisposing syndrome. Last evaluated: 2024-12-11. Review status: criteria provided, single submitter. Criteria: Ambry Variant Classification Scheme 2023. Collection method: clinical testing. Allele origin: germline.
Comment: The p.V2203I variant (also known as c.6607G>A), located in coding exon 10 of the BRCA2 gene, results from a G to A substitution at nucleotide position 6607. The valine at codon 2203 is replaced by isoleucine, an amino acid with highly similar properties. This amino acid position is not well conserved in available vertebrate species. In addition, this alteration is predicted to be tolerated by in silico analysis. Based on the available evidence, the clinical significance of this variant remains unclear.

NM_000059.4(BRCA2):c.6607G>A (p.Val2203Ile)

Gene: BRCA2 (BRCA2 DNA repair associated; plus strand). Cytogenetic location: 13q13.1.
Variant type: single nucleotide variant.
Coding change: c.6607G>A on transcript NM_000059.4 (MANE Select); coding-DNA position 6607, G replaced by A.
Protein change: p.Val2203Ile; replaces valine 2203 with isoleucine.
Molecular consequence: missense variant. On other transcripts: non-coding transcript variant (1), intron variant (2).
Genome position (GRCh38, 1-based): chr13:32,340,962, G>A. VCF-style: chr13-32340962-G-A. GRCh37 (hg19) VCF-style: chr13-32915099-G-A.
Other names: c.6607G>A, p.Val2203Ile (NM_001406719.1, NM_001406720.1, NM_001432077.1); c.1910-3596G>A (NM_001406721.1); c.425-3596G>A (NM_001406722.1); short protein forms V2203I.
Identifiers: ClinVar variation 3825380 (VCV003825380.1).